The following is an entry in ClinVar:

NM_007272.3(CTRC):c.538G>T (p.Val180Leu)

Gene: CTRC (chymotrypsin C; plus strand). Cytogenetic location: 1p36.21.
Variant type: single nucleotide variant.
Coding change: c.538G>T on transcript NM_007272.3 (MANE Select); coding-DNA position 538, G replaced by T.
Protein change: p.Val180Leu; replaces valine 180 with leucine.
Molecular consequence: missense variant.
Genome position (GRCh38, 1-based): chr1:15,444,650, G>T. VCF-style: chr1-15444650-G-T. GRCh37 (hg19) VCF-style: chr1-15771145-G-T.
Other names: short protein forms V180L.
Identifiers: ClinVar variation 4560265 (VCV004560265.1).

ClinVar aggregate classification (germline): Uncertain significance (1 of 4 stars; one submission).

Conditions:
Hereditary pancreatitis (PCTT). Also called: Hereditary chronic pancreatitis; PRSS1-Related Hereditary Pancreatitis. Identifiers: Orphanet 676, MedGen C0238339, MONDO:0008185, OMIM 167800.

gnomAD v4.1: 1 of 1,614,218 alleles (0.000062%); highest among the groups gnomAD compares: South Asian, 0.0011%; no homozygotes.

Submission:

Ambry Genetics
Classification: Uncertain significance for Hereditary pancreatitis. Last evaluated: 2025-11-10. Review status: criteria provided, single submitter. Criteria: Ambry Variant Classification Scheme 2023. Collection method: clinical testing. Allele origin: germline.
Comment: The p.V180L variant (also known as c.538G>T), located in coding exon 6 of the CTRC gene, results from a G to T substitution at nucleotide position 538. The valine at codon 180 is replaced by leucine, an amino acid with highly similar properties. This amino acid position is conserved. In addition, this alteration is predicted to be tolerated by in silico analysis. Based on the available evidence, the clinical significance of this variant remains unclear.